The following is an entry in ClinVar:

ClinVar aggregate classification (germline): Uncertain significance (1 of 4 stars; one submission).

Conditions:
Neuronal ceroid lipofuscinosis 1 (CLN1). Also called: CEROID LIPOFUSCINOSIS, NEURONAL, 1, VARIABLE AGE AT ONSET; PPT1-Related Neuronal Ceroid-Lipofuscinosis. Identifiers: Orphanet 228329, MedGen C1850451, MONDO:0009744, OMIM 256730.

gnomAD v4.1: 1 of 1,603,164 alleles (0.000062%); highest among the groups gnomAD compares: Non-Finnish European, 0.000085%; no homozygotes.

Submission:

Labcorp Genetics (formerly Invitae), Labcorp
Classification: Uncertain significance for Neuronal ceroid lipofuscinosis 1. Last evaluated: 2024-02-24. Review status: criteria provided, single submitter. Criteria: Invitae Variant Classification Sherloc (09022015). Collection method: clinical testing. Allele origin: germline.
Comment: This sequence change replaces glutamic acid, which is acidic and polar, with glycine, which is neutral and non-polar, at codon 78 of the PPT1 protein (p.Glu78Gly). This variant is present in population databases (rs769365325, gnomAD 0.0009%). This variant has not been reported in the literature in individuals affected with PPT1-related conditions. ClinVar contains an entry for this variant (Variation ID: 1391020). An algorithm developed to predict the effect of missense changes on protein structure and function (PolyPhen-2) suggests that this variant is likely to be disruptive. Algorithms developed to predict the effect of sequence changes on RNA splicing suggest that this variant may disrupt the consensus splice site. In summary, the available evidence is currently insufficient to determine the role of this variant in disease. Therefore, it has been classified as a Variant of Uncertain Significance.

NM_000310.4(PPT1):c.233A>G (p.Glu78Gly)

Gene: PPT1 (palmitoyl-protein thioesterase 1; minus strand). Cytogenetic location: 1p34.2.
Variant type: single nucleotide variant.
Coding change: c.233A>G on transcript NM_000310.4 (MANE Select); coding-DNA position 233, A replaced by G.
Protein change: p.Glu78Gly; replaces glutamic acid 78 with glycine.
Molecular consequence: missense variant. On other transcripts: intron variant (1).
Genome position (GRCh38, 1-based): chr1:40,092,399, T>C on the plus strand (A>G on the coding strand, the complement: PPT1 is on the minus strand). VCF-style: chr1-40092399-T-C. GRCh37 (hg19) VCF-style: chr1-40558071-T-C.
Other names: c.233A>G, p.Glu78Gly (NM_001363695.2); c.125-2887A>G (NM_001142604.2); short protein forms E78G.
Identifiers: ClinVar variation 1391020 (VCV001391020.6), dbSNP rs769365325, ClinGen allele CA789779.
Genomic context (GRCh38, chr1:40,092,399, plus strand): 5'-AGTATATGCTATGAAATCAGTCAGCAACCCTTCAAAGGAACAGCTGTGAAGCGCCTTACC[T>C]CCATCAGGGTCTTCCCAATCTCTAAAGATAAGACGTAAATTCCAGGTATTTTCTTCTCCA-3'
Protein context (NP_000301.1, residues 68-88): LSLEIGKTLM[Glu78Gly]DVENSFFLNV